The following is an entry in ClinVar:

ClinVar aggregate classification (germline): Uncertain significance (1 of 4 stars; one submission).

Submission:

Labcorp Genetics (formerly Invitae), Labcorp
Classification: Uncertain significance. Last evaluated: 2022-10-13. Review status: criteria provided, single submitter. Criteria: Invitae Variant Classification Sherloc (09022015). Collection method: clinical testing. Allele origin: germline.
Comment: This sequence change replaces phenylalanine, which is neutral and non-polar, with leucine, which is neutral and non-polar, at codon 177 of the OR2W3 protein (p.Phe177Leu). This variant is not present in population databases (gnomAD no frequency). This variant has not been reported in the literature in individuals affected with OR2W3-related conditions. ClinVar contains an entry for this variant (Variation ID: 1424358). Algorithms developed to predict the effect of missense changes on protein structure and function are either unavailable or do not agree on the potential impact of this missense change (SIFT: "Deleterious"; PolyPhen-2: "Probably Damaging"; Align-GVGD: "Class C0"). In summary, the available evidence is currently insufficient to determine the role of this variant in disease. Therefore, it has been classified as a Variant of Uncertain Significance.

NM_001001957.2(OR2W3):c.531C>G (p.Phe177Leu)

Gene: OR2W3 (olfactory receptor family 2 subfamily W member 3; plus strand). Cytogenetic location: 1q44.
Variant type: single nucleotide variant.
Coding change: c.531C>G on transcript NM_001001957.2 (MANE Select); coding-DNA position 531, C replaced by G.
Protein change: p.Phe177Leu; replaces phenylalanine 177 with leucine.
Molecular consequence: missense variant.
Genome position (GRCh38, 1-based): chr1:247,896,117, C>G. VCF-style: chr1-247896117-C-G. GRCh37 (hg19) VCF-style: chr1-248059419-C-G.
Other names: short protein forms F177L.
Identifiers: ClinVar variation 1424358 (VCV001424358.6), dbSNP rs754637139, ClinGen allele CA345593981.